The following is an entry in ClinVar:

ClinVar aggregate classification (germline): Likely pathogenic (1 of 4 stars; one submission).

Conditions:
X-linked severe combined immunodeficiency (SCIDX1). Also called: X-Linked Combined Immunodeficiency Diseases; IMMUNODEFICIENCY 4; SCID, X-LINKED; SEVERE COMBINED IMMUNODEFICIENCY, X-LINKED, T CELL-NEGATIVE, B CELL-POSITIVE, NK CELL-NEGATIVE; T-B+ severe combined immunodeficiency due to gamma chain deficiency. Identifiers: Orphanet 276, MedGen C6022468, MONDO:0010315, OMIM 300400. Disease mechanism: loss of function.

Submission:

Labcorp Genetics (formerly Invitae), Labcorp
Classification: Likely pathogenic for X-linked severe combined immunodeficiency. Last evaluated: 2023-12-02. Review status: criteria provided, single submitter. Criteria: Invitae Variant Classification Sherloc (09022015). Collection method: clinical testing. Allele origin: germline.
Comment: This sequence change replaces cysteine, which is neutral and slightly polar, with tyrosine, which is neutral and polar, at codon 231 of the IL2RG protein (p.Cys231Tyr). This variant is not present in population databases (gnomAD no frequency). This missense change has been observed in individual(s) with severe combined immunodeficiency (PMID: 10794430). ClinVar contains an entry for this variant (Variation ID: 2138600). Advanced modeling of protein sequence and biophysical properties (such as structural, functional, and spatial information, amino acid conservation, physicochemical variation, residue mobility, and thermodynamic stability) performed at Invitae indicates that this missense variant is expected to disrupt IL2RG protein function with a positive predictive value of 95%. This variant disrupts the p.Cys231 amino acid residue in IL2RG. Other variant(s) that disrupt this residue have been observed in individuals with IL2RG-related conditions (PMID: 21732012, 24612091), which suggests that this may be a clinically significant amino acid residue. In summary, the currently available evidence indicates that the variant is pathogenic, but additional data are needed to prove that conclusively. Therefore, this variant has been classified as Likely Pathogenic.

Literature cited by the submitters: PubMed 10794430; PubMed 21732012; PubMed 24612091.

NM_000206.3(IL2RG):c.692G>A (p.Cys231Tyr)

Gene: IL2RG (interleukin 2 receptor subunit gamma; minus strand). Cytogenetic location: Xq13.1.
Variant type: single nucleotide variant.
Coding change: c.692G>A on transcript NM_000206.3 (MANE Select); coding-DNA position 692, G replaced by A.
Protein change: p.Cys231Tyr; replaces cysteine 231 with tyrosine.
Molecular consequence: missense variant.
Genome position (GRCh38, 1-based): chrX:71,109,293, C>T on the plus strand (G>A on the coding strand, the complement: IL2RG is on the minus strand). VCF-style: chrX-71109293-C-T. GRCh37 (hg19) VCF-style: chrX-70329143-C-T.
Other names: short protein forms C231Y.
Identifiers: ClinVar variation 2138600 (VCV002138600.4), dbSNP rs2519645571, ClinGen allele CA413495956.